The following is an entry in ClinVar:

NM_021072.4(HCN1):c.1709A>G (p.Asn570Ser)

Gene: HCN1 (hyperpolarization activated cyclic nucleotide gated potassium channel 1; minus strand). Cytogenetic location: 5p12.
Variant type: single nucleotide variant.
Coding change: c.1709A>G on transcript NM_021072.4 (MANE Select); coding-DNA position 1709, A replaced by G.
Protein change: p.Asn570Ser; replaces asparagine 570 with serine.
Molecular consequence: missense variant.
Genome position (GRCh38, 1-based): chr5:45,267,163, T>C on the plus strand (A>G on the coding strand, the complement: HCN1 is on the minus strand). VCF-style: chr5-45267163-T-C. GRCh37 (hg19) VCF-style: chr5-45267265-T-C.
Other names: short protein forms N570S.
Identifiers: ClinVar variation 2833354 (VCV002833354.3), dbSNP rs1433400858, ClinGen allele CA359705821.

ClinVar aggregate classification (germline): Uncertain significance (1 of 4 stars; one submission).

Conditions:
Early-infantile DEE. Also called: Early infantile epileptic encephalopathy; Early infantile epileptic encephalopathy with suppression bursts; Ohtahara syndrome. Identifiers: Orphanet 1934, MedGen C0393706, MONDO:0800491.

Allele frequency attached by ClinVar (database versions not stated): gnomAD 0.00001; TOPMed 0.00001.
gnomAD v4.1: 2 of 1,613,914 alleles (0.00012%); highest among the groups gnomAD compares: Non-Finnish European, 0.00017%; no homozygotes.

Submission:

Labcorp Genetics (formerly Invitae), Labcorp
Classification: Uncertain significance for Early-infantile DEE. Last evaluated: 2024-05-14. Review status: criteria provided, single submitter. Criteria: Invitae Variant Classification Sherloc (09022015). Collection method: clinical testing. Allele origin: germline.
Comment: This sequence change replaces asparagine, which is neutral and polar, with serine, which is neutral and polar, at codon 570 of the HCN1 protein (p.Asn570Ser). This variant is not present in population databases (gnomAD no frequency). This variant has not been reported in the literature in individuals affected with HCN1-related conditions. Advanced modeling of protein sequence and biophysical properties (such as structural, functional, and spatial information, amino acid conservation, physicochemical variation, residue mobility, and thermodynamic stability) has been performed at Invitae for this missense variant, however the output from this modeling did not meet the statistical confidence thresholds required to predict the impact of this variant on HCN1 protein function. In summary, the available evidence is currently insufficient to determine the role of this variant in disease. Therefore, it has been classified as a Variant of Uncertain Significance.